The following is an entry in ClinVar:

ClinVar aggregate classification (germline): Uncertain significance (1 of 4 stars; one submission).

Conditions:
Malignant hyperthermia, susceptibility to, 5 (MHS5). Also called: CACNA1S-Related Malignant Hyperthermia Susceptibility. Identifiers: Orphanet 423, MedGen C1866077, MONDO:0011163, OMIM 601887.

gnomAD v4.1: 1 of 1,614,076 alleles (0.000062%); highest among the groups gnomAD compares: Non-Finnish European, 0.000085%; no homozygotes.

Submission:

All of Us Research Program, National Institutes of Health
Classification: Uncertain significance for Malignant hyperthermia, susceptibility to, 5. Last evaluated: 2023-08-23. Review status: criteria provided, single submitter. Criteria: ACMG Guidelines, 2015. Collection method: clinical testing. Allele origin: germline. Inheritance: Autosomal dominant inheritance. Observed: 1 variant allele, 1 heterozygote.
Comment: This missense variant replaces tyrosine with aspartic acid at codon 621 of the CACNA1S protein. Computational prediction suggests that this variant may have deleterious impact on protein structure and function (internally defined REVEL score threshold >= 0.7, PMID: 27666373). To our knowledge, functional studies have not been reported for this variant. This variant has not been reported in individuals affected with CACNA1S-related disorders in the literature. This variant has not been identified in the general population by the Genome Aggregation Database (gnomAD). The available evidence is insufficient to determine the role of this variant in disease conclusively. Therefore, this variant is classified as a Variant of Uncertain Significance.

This study involves interpretation of variants in research participants for the purpose of population health screening. Participant phenotype was not available at the time of variant classification. Additional details can be found in publication PMID: 35346344, PMCID: PMC8962531

NM_000069.3(CACNA1S):c.1861T>G (p.Tyr621Asp)

Gene: CACNA1S (calcium voltage-gated channel subunit alpha1 S; minus strand). Cytogenetic location: 1q32.1.
Variant type: single nucleotide variant.
Coding change: c.1861T>G on transcript NM_000069.3 (MANE Select); coding-DNA position 1861, T replaced by G.
Protein change: p.Tyr621Asp; replaces tyrosine 621 with aspartic acid.
Molecular consequence: missense variant.
Genome position (GRCh38, 1-based): chr1:201,075,582, A>C on the plus strand (T>G on the coding strand, the complement: CACNA1S is on the minus strand). VCF-style: chr1-201075582-A-C. GRCh37 (hg19) VCF-style: chr1-201044710-A-C.
Other names: short protein forms Y621D.
Identifiers: ClinVar variation 3073127 (VCV003073127.1), dbSNP rs2464559381, ClinGen allele CA344117208.